The following is an entry in ClinVar:

ClinVar aggregate classification (germline): Uncertain significance. Review status: criteria provided, multiple submitters, no conflicts (2 of 4 stars). 2 submissions from 2 submitters: Uncertain significance (2). Last evaluated 2024-12-28.

Conditions:
Fanconi anemia (FA). Also called: Fanconi's anemia. Identifiers: Orphanet 84, MedGen C0015625, MeSH D005199, MONDO:0019391.
Inborn genetic diseases. Identifiers: MedGen C0950123, MeSH D030342.

Allele frequency attached by ClinVar (database versions not stated): gnomAD exomes below 0.00001; TOPMed below 0.00001; ExAC 0.00001.
gnomAD v4.1: 3 of 1,611,804 alleles (0.00019%); highest among the groups gnomAD compares: Non-Finnish European, 0.00017%; no homozygotes.

Submissions (2):

Ambry Genetics
Classification: Uncertain significance for Inborn genetic diseases. Last evaluated: 2024-12-28. Review status: criteria provided, single submitter. Criteria: Ambry Variant Classification Scheme 2023. Collection method: clinical testing. Allele origin: germline.
Comment: The p.M2010V variant (also known as c.6028A>G), located in coding exon 23 of the FANCM gene, results from an A to G substitution at nucleotide position 6028. The methionine at codon 2010 is replaced by valine, an amino acid with highly similar properties. This amino acid position is conserved. In addition, this alteration is predicted to be tolerated by in silico analysis. Based on the available evidence, the clinical significance of this variant remains unclear.

Labcorp Genetics (formerly Invitae), Labcorp
Classification: Uncertain significance for Fanconi anemia. Last evaluated: 2024-11-27. Review status: criteria provided, single submitter. Criteria: Invitae Variant Classification Sherloc (09022015). Collection method: clinical testing. Allele origin: germline.
Comment: This sequence change replaces methionine, which is neutral and non-polar, with valine, which is neutral and non-polar, at codon 2010 of the FANCM protein (p.Met2010Val). This variant is present in population databases (rs776577985, gnomAD 0.0009%). This variant has not been reported in the literature in individuals affected with FANCM-related conditions. ClinVar contains an entry for this variant (Variation ID: 944400). An algorithm developed to predict the effect of missense changes on protein structure and function outputs the following: PolyPhen-2: "Benign". The valine amino acid residue is found in multiple mammalian species, which suggests that this missense change does not adversely affect protein function. In summary, the available evidence is currently insufficient to determine the role of this variant in disease. Therefore, it has been classified as a Variant of Uncertain Significance.

NM_020937.4(FANCM):c.6028A>G (p.Met2010Val)

Gene: FANCM (FA complementation group M; plus strand). Cytogenetic location: 14q21.2.
Variant type: single nucleotide variant.
Coding change: c.6028A>G on transcript NM_020937.4 (MANE Select); coding-DNA position 6028, A replaced by G.
Protein change: p.Met2010Val; replaces methionine 2010 with valine.
Molecular consequence: missense variant.
Genome position (GRCh38, 1-based): chr14:45,199,889, A>G. VCF-style: chr14-45199889-A-G. GRCh37 (hg19) VCF-style: chr14-45669092-A-G.
Other names: c.5950A>G, p.Met1984Val (NM_001308133.2); short protein forms M2010V, M1984V.
Identifiers: ClinVar variation 944400 (VCV000944400.12), dbSNP rs776577985, ClinGen allele CA7170119.
Genomic context (GRCh38, chr14:45,199,889, plus strand): 5'-AAAAGTCCTAGTGTAATGATTTTGTCTCATTTATTTTTCAGCTCACTTCAAGAAATCTCC[A>G]TGTATGCACAAGTAACTCATCAGAAGGCTGAGGAGATCTATAGATATATTCACTATGTAT-3'
Protein context (NP_065988.1, residues 2000-2020): MANSSLQEIS[Met2010Val]YAQVTHQKAE